The following is an entry in ClinVar:

ClinVar aggregate classification (germline): Likely benign (1 of 4 stars; one submission).

Conditions:
CREBBP-related disorder. Also called: CREBBP-related disorders; CREBBP-related condition.

gnomAD v4.1: 1 of 1,613,910 alleles (0.000062%); highest among the groups gnomAD compares: African/African-American, 0.0013%; no homozygotes.

Submission:

PreventionGenetics, part of Exact Sciences
Classification: Likely benign for CREBBP-related condition. Last evaluated: 2026-03-26. Review status: criteria provided, single submitter. Criteria: ACMG Guidelines, 2015. Collection method: clinical testing. Allele origin: germline.
Comment: This variant is classified as likely benign based on ACMG/AMP sequence variant interpretation guidelines (Richards et al. 2015 PMID: 25741868, with internal and published modifications).

NM_004380.3(CREBBP):c.2114-8C>A

Gene: CREBBP (CREB binding lysine acetyltransferase; minus strand). Cytogenetic location: 16p13.3.
Variant type: single nucleotide variant.
Coding change: c.2114-8C>A on transcript NM_004380.3 (MANE Select); 8 bases into the intron before coding-DNA position 2114, C replaced by A.
Molecular consequence: intron variant.
Genome position (GRCh38, 1-based): chr16:3,777,665, G>T on the plus strand (C>A on the coding strand, the complement: CREBBP is on the minus strand). VCF-style: chr16-3777665-G-T. GRCh37 (hg19) VCF-style: chr16-3827666-G-T.
Other names: c.2000-8C>A (NM_001079846.1).
Identifiers: ClinVar variation 5001936 (VCV005001936.1).